The following is an entry in ClinVar:

NM_000481.4(AMT):c.953G>A (p.Arg318Gln)

Gene: AMT (aminomethyltransferase; minus strand). Cytogenetic location: 3p21.31.
Variant type: single nucleotide variant.
Coding change: c.953G>A on transcript NM_000481.4 (MANE Select); coding-DNA position 953, G replaced by A.
Protein change: p.Arg318Gln; replaces arginine 318 with glutamine.
Molecular consequence: missense variant. On other transcripts: non-coding transcript variant (1).
Genome position (GRCh38, 1-based): chr3:49,417,898, C>T on the plus strand (G>A on the coding strand, the complement: AMT is on the minus strand). VCF-style: chr3-49417898-C-T. GRCh37 (hg19) VCF-style: chr3-49455331-C-T.
Other names: c.821G>A, p.Arg274Gln (NM_001164710.2); c.785G>A, p.Arg262Gln (NM_001164711.2); c.953G>A, p.Arg318Gln (NM_001164712.2); short protein forms R318Q, R274Q, R262Q.
Identifiers: ClinVar variation 1442325 (VCV001442325.5), dbSNP rs755780814, ClinGen allele CA2398196.

ClinVar aggregate classification (germline): Uncertain significance (1 of 4 stars; one submission).

Conditions:
Glycine encephalopathy. Also called: Non-ketotic hyperglycinemia; Nonketotic hyperglycinemia. Identifiers: Orphanet 407, MedGen C0751748, MONDO:0011612, HP:0008288.

Allele frequency attached by ClinVar (database versions not stated): gnomAD exomes 0.00002 and 0.00001; gnomAD 0.00003 and 0.00002; ExAC 0.00001.
gnomAD v4.1: 19 of 1,613,898 alleles (0.0012%); highest among the groups gnomAD compares: African/African-American, 0.004%; no homozygotes.

Submission:

Labcorp Genetics (formerly Invitae), Labcorp
Classification: Uncertain significance for Glycine encephalopathy. Last evaluated: 2022-06-23. Review status: criteria provided, single submitter. Criteria: Invitae Variant Classification Sherloc (09022015). Collection method: clinical testing. Allele origin: germline.
Comment: This sequence change replaces arginine, which is basic and polar, with glutamine, which is neutral and polar, at codon 318 of the AMT protein (p.Arg318Gln). This variant is present in population databases (rs755780814, gnomAD 0.008%). This variant has not been reported in the literature in individuals affected with AMT-related conditions. Advanced modeling of protein sequence and biophysical properties (such as structural, functional, and spatial information, amino acid conservation, physicochemical variation, residue mobility, and thermodynamic stability) performed at Invitae indicates that this missense variant is not expected to disrupt AMT protein function. In summary, the available evidence is currently insufficient to determine the role of this variant in disease. Therefore, it has been classified as a Variant of Uncertain Significance.